The following is an entry in ClinVar:

NM_004618.5(TOP3A):c.990+1G>T

Gene: TOP3A (DNA topoisomerase III alpha; minus strand). Cytogenetic location: 17p11.2.
Variant type: single nucleotide variant.
Coding change: c.990+1G>T on transcript NM_004618.5 (MANE Select); the canonical splice donor site of the intron after coding-DNA position 990, G replaced by T.
Molecular consequence: splice donor variant.
Genome position (GRCh38, 1-based): chr17:18,299,558, C>A on the plus strand (G>T on the coding strand, the complement: TOP3A is on the minus strand). VCF-style: chr17-18299558-C-A. GRCh37 (hg19) VCF-style: chr17-18202872-C-A.
Other names: c.705+1G>T (NM_001320759.2).
Identifiers: ClinVar variation 1707336 (VCV001707336.5), dbSNP rs751071439, ClinGen allele CA398635678.

ClinVar aggregate classification (germline): Likely pathogenic. Review status: criteria provided, multiple submitters, no conflicts (2 of 4 stars). 2 submissions from 2 submitters: Likely pathogenic (2). Last evaluated 2025-12-23.

Allele frequency attached by ClinVar (database versions not stated): TOPMed below 0.00001.
gnomAD v4.1: 5 of 1,613,934 alleles (0.00031%); highest among the groups gnomAD compares: Non-Finnish European, 0.00042%; no homozygotes.

Submissions (2):

Labcorp Genetics (formerly Invitae), Labcorp
Classification: Likely pathogenic. Last evaluated: 2025-12-23. Review status: criteria provided, single submitter. Criteria: Invitae Variant Classification Sherloc (09022015). Collection method: clinical testing. Allele origin: germline.
Comment: This sequence change affects a donor splice site in intron 9 of the TOP3A gene. It is expected to disrupt RNA splicing. Variants that disrupt the donor or acceptor splice site typically lead to a loss of protein function (PMID: 16199547), and loss-of-function variants in TOP3A are known to be pathogenic (PMID: 30057030). This variant is not present in population databases (gnomAD no frequency). This variant has not been reported in the literature in individuals affected with TOP3A-related conditions. ClinVar contains an entry for this variant (Variation ID: 1707336). Algorithms developed to predict the effect of sequence changes on RNA splicing suggest that this variant may disrupt the consensus splice site. In summary, the currently available evidence indicates that the variant is pathogenic, but additional data are needed to prove that conclusively. Therefore, this variant has been classified as Likely Pathogenic.

GeneDx
Classification: Likely pathogenic. Last evaluated: 2022-09-22. Review status: criteria provided, single submitter. Criteria: GeneDx Variant Classification Process June 2021. Collection method: clinical testing. Allele origin: germline. Affected: yes.
Comment: Canonical splice site variant predicted to result in an in-frame deletion of a critical region; Not observed in large population cohorts (gnomAD); Has not been previously published as pathogenic or benign to our knowledge

Literature cited by the submitters: PubMed 16199547 (cited by Labcorp Genetics (formerly Invitae), Labcorp); PubMed 30057030 (cited by Labcorp Genetics (formerly Invitae), Labcorp).